The following is an entry in ClinVar:

ClinVar aggregate classification (germline): Uncertain significance (1 of 4 stars; one submission).

Submission:

Labcorp Genetics (formerly Invitae), Labcorp
Classification: Uncertain significance. Last evaluated: 2023-01-30. Review status: criteria provided, single submitter. Criteria: Invitae Variant Classification Sherloc (09022015). Collection method: clinical testing. Allele origin: germline.
Comment: In summary, the available evidence is currently insufficient to determine the role of this variant in disease. Therefore, it has been classified as a Variant of Uncertain Significance. Algorithms developed to predict the effect of missense changes on protein structure and function (SIFT, PolyPhen-2, Align-GVGD) all suggest that this variant is likely to be disruptive. This variant has not been reported in the literature in individuals affected with TECTA-related conditions. This variant is not present in population databases (gnomAD no frequency). This sequence change replaces cysteine, which is neutral and slightly polar, with phenylalanine, which is neutral and non-polar, at codon 1784 of the TECTA protein (p.Cys1784Phe).

NM_005422.4(TECTA):c.5351G>T (p.Cys1784Phe)

Genes: TBCEL-TECTA (TBCEL-TECTA readthrough; plus strand), TECTA (tectorin alpha; plus strand). Cytogenetic location: 11q23.3.
Variant type: single nucleotide variant.
Coding change: c.5351G>T on transcript NM_005422.4 (MANE Select); coding-DNA position 5351, G replaced by T.
Protein change: p.Cys1784Phe; replaces cysteine 1784 with phenylalanine.
Molecular consequence: missense variant.
Genome position (GRCh38, 1-based): chr11:121,165,351, G>T. VCF-style: chr11-121165351-G-T. GRCh37 (hg19) VCF-style: chr11-121036060-G-T.
Other names: c.6293G>T, p.Cys2098Phe (NM_001378761.1); short protein forms C1784F, C2098F.
Identifiers: ClinVar variation 1966843 (VCV001966843.5), dbSNP rs2496986983, ClinGen allele CA383033451.